The following is an entry in ClinVar:

ClinVar aggregate classification (germline): Uncertain significance. Review status: criteria provided, multiple submitters, no conflicts (2 of 4 stars). 3 submissions from 3 submitters: Uncertain significance (2). 1 of the submissions does not count toward it. Last evaluated 2024-04-29.

Conditions:
Hereditary cancer-predisposing syndrome. Also called: Tumor predisposition; Neoplastic Syndromes, Hereditary; Hereditary Cancer Syndrome; Hereditary neoplastic syndrome. Identifiers: Orphanet 140162, MedGen C0027672, MeSH D009386, MONDO:0015356.
Ataxia-telangiectasia syndrome (AT). Also called: ATAXIA-TELANGIECTASIA, FRESNO VARIANT; Ataxia-telangiectasia, complementation group D; AT, COMPLEMENTATION GROUP C; Ataxia-telangiectasia; Ataxia-telangiectasia, complementation group E; Ataxia telangiectasia (A-T). Identifiers: Orphanet 100, MedGen C0004135, MONDO:0008840, OMIM 208900.

Submissions (3):

Labcorp Genetics (formerly Invitae), Labcorp
Classification: Uncertain significance for Ataxia-telangiectasia syndrome. Last evaluated: 2024-04-29. Review status: criteria provided, single submitter. Criteria: Invitae Variant Classification Sherloc (09022015). Collection method: clinical testing. Allele origin: germline.
Comment: This sequence change replaces methionine, which is neutral and non-polar, with leucine, which is neutral and non-polar, at codon 1484 of the ATM protein (p.Met1484Leu). This variant is not present in population databases (gnomAD no frequency). This variant has not been reported in the literature in individuals affected with ATM-related conditions. ClinVar contains an entry for this variant (Variation ID: 1062349). An algorithm developed to predict the effect of missense changes on protein structure and function (PolyPhen-2) suggests that this variant is likely to be tolerated. In summary, the available evidence is currently insufficient to determine the role of this variant in disease. Therefore, it has been classified as a Variant of Uncertain Significance.

Ambry Genetics
Classification: Uncertain significance for Hereditary cancer-predisposing syndrome. Last evaluated: 2020-11-09. Review status: criteria provided, single submitter. Criteria: Ambry Variant Classification Scheme 2023. Collection method: clinical testing. Allele origin: germline.
Comment: The p.M1484L variant (also known as c.4450A>T), located in coding exon 29 of the ATM gene, results from an A to T substitution at nucleotide position 4450. The methionine at codon 1484 is replaced by leucine, an amino acid with highly similar properties. This amino acid position is poorly conserved in available vertebrate species. In addition, this alteration is predicted to be tolerated by in silico analysis. Since supporting evidence is limited at this time, the clinical significance of this alteration remains unclear.

Natera, Inc.
Classification: Uncertain significance for Ataxia-telangiectasia. Last evaluated: 2025-03-07. Review status: no assertion criteria provided. Collection method: clinical testing. Allele origin: germline. Not counted in ClinVar's aggregate classification.

NM_000051.4(ATM):c.4450A>T (p.Met1484Leu)

Gene: ATM (ATM serine/threonine kinase; plus strand). Cytogenetic location: 11q22.3.
Variant type: single nucleotide variant.
Coding change: c.4450A>T on transcript NM_000051.4 (MANE Select); coding-DNA position 4450, A replaced by T.
Protein change: p.Met1484Leu; replaces methionine 1484 with leucine.
Molecular consequence: missense variant.
Genome position (GRCh38, 1-based): chr11:108,292,632, A>T. VCF-style: chr11-108292632-A-T. GRCh37 (hg19) VCF-style: chr11-108163359-A-T.
Other names: c.4450A>T, p.Met1484Leu (NM_001351834.2); short protein forms M1484L.
Identifiers: ClinVar variation 1062349 (VCV001062349.12), dbSNP rs2135797458, ClinGen allele CA382532958.